The following is an entry in ClinVar:

ClinVar aggregate classification (germline): Uncertain significance (1 of 4 stars; one submission).

Conditions:
Severe combined immunodeficiency due to DNA-PKcs deficiency. Also called: IMMUNODEFICIENCY 26 WITH NEUROLOGIC ABNORMALITIES; Immunodeficiency 26 with or without neurologic abnormalities. Identifiers: Orphanet 317425, MedGen C4014833, MONDO:0014423, OMIM 615966.

Submission:

Labcorp Genetics (formerly Invitae), Labcorp
Classification: Uncertain significance for Severe combined immunodeficiency due to DNA-PKcs deficiency. Last evaluated: 2022-05-29. Review status: criteria provided, single submitter. Criteria: Invitae Variant Classification Sherloc (09022015). Collection method: clinical testing. Allele origin: germline.
Comment: In summary, the available evidence is currently insufficient to determine the role of this variant in disease. Therefore, it has been classified as a Variant of Uncertain Significance. Experimental studies and prediction algorithms are not available or were not evaluated, and the functional significance of this variant is currently unknown. This variant has not been reported in the literature in individuals affected with PRKDC-related conditions. This variant is not present in population databases (gnomAD no frequency). This sequence change replaces proline, which is neutral and non-polar, with serine, which is neutral and polar, at codon 3399 of the PRKDC protein (p.Pro3399Ser).

NM_006904.7(PRKDC):c.10195C>T (p.Pro3399Ser)

Gene: PRKDC (protein kinase, DNA-activated, catalytic subunit; minus strand). Cytogenetic location: 8q11.21.
Variant type: single nucleotide variant.
Coding change: c.10195C>T on transcript NM_006904.7 (MANE Select); coding-DNA position 10195, C replaced by T.
Protein change: p.Pro3399Ser; replaces proline 3399 with serine.
Molecular consequence: missense variant.
Genome position (GRCh38, 1-based): chr8:47,799,312, G>A on the plus strand (C>T on the coding strand, the complement: PRKDC is on the minus strand). VCF-style: chr8-47799312-G-A. GRCh37 (hg19) VCF-style: chr8-48711873-G-A.
Other names: c.10195C>T, p.Pro3399Ser (NM_001081640.2); short protein forms P3399S.
Identifiers: ClinVar variation 2037507 (VCV002037507.4), dbSNP rs2087049027, ClinGen allele CA371135349.